The following is an entry in ClinVar:

NM_006642.5(SDCCAG8):c.1899T>C (p.Asp633=)

Gene: SDCCAG8 (SHH signaling and ciliogenesis regulator SDCCAG8; plus strand). Cytogenetic location: 1q43.
Variant type: single nucleotide variant.
Coding change: c.1899T>C on transcript NM_006642.5 (MANE Select); coding-DNA position 1899, T replaced by C.
Protein change: p.Asp633=; no amino-acid change (aspartic acid 633 retained).
Molecular consequence: synonymous variant.
Genome position (GRCh38, 1-based): chr1:243,426,472, T>C. VCF-style: chr1-243426472-T-C. GRCh37 (hg19) VCF-style: chr1-243589774-T-C.
Other names: c.996T>C, p.Asp332= (NM_001350246.2, NM_001350247.2, NM_001350251.2); c.1995T>C, p.Asp665= (NM_001350248.2); c.1605T>C, p.Asp535= (NM_001350249.2).
Identifiers: ClinVar variation 3357447 (VCV003357447.1).

ClinVar aggregate classification (germline): Likely benign (0 of 4 stars; one submission).

Conditions:
SDCCAG8-related disorder. Also called: SDCCAG8-Related Disorders; SDCCAG8-related condition.

Submission:

PreventionGenetics, part of Exact Sciences
Classification: Likely benign for SDCCAG8-related condition. Last evaluated: 2021-07-12. Review status: no assertion criteria provided. Collection method: clinical testing. Allele origin: germline.
Comment: This variant is classified as likely benign based on ACMG/AMP sequence variant interpretation guidelines (Richards et al. 2015 PMID: 25741868, with internal and published modifications).